The following is an entry in ClinVar:

NM_005138.3(SCO2):c.116_131dup (p.Glu45fs)

Genes: SCO2 (synthesis of cytochrome C oxidase 2; minus strand), NCAPH2 (non-SMC condensin II complex subunit H2; plus strand). Cytogenetic location: 22q13.33.
Variant type: Duplication.
Coding change: c.116_131dup on transcript NM_005138.3 (MANE Select); coding-DNA positions 116 to 131, 16 bases duplicated (CAAGGCAGGGCCCTGC).
Protein change: p.Glu45fs; shifts the reading frame from glutamic acid 45.
Molecular consequence: frameshift variant. On other transcripts: 3 prime UTR variant (2).
Genome position (GRCh38, 1-based): chr22:50,524,281-50,524,296, GCAGGGCCCTGCCTTG duplicated on the plus strand (CAAGGCAGGGCCCTGC on the coding strand, the reverse complement: SCO2 is on the minus strand). VCF-style (leftmost placement, unchanged base first): chr22-50524280-T-TGCAGGGCCCTGCCTTG. GRCh37 (hg19) VCF-style: chr22-50962709-T-TGCAGGGCCCTGCCTTG.
Other names: c.*906_*921dup (NM_001185011.2, NM_152299.4); c.116_131dup, p.Glu45fs (NM_001169109.2, NM_001169110.1, NM_001169111.2); short protein forms E45fs.
Identifiers: ClinVar variation 2735939 (VCV002735939.3), dbSNP rs2522476324, ClinGen allele CA2697552837.

ClinVar aggregate classification (germline): Pathogenic (1 of 4 stars; one submission).

Submission:

Labcorp Genetics (formerly Invitae), Labcorp
Classification: Pathogenic. Last evaluated: 2023-07-06. Review status: criteria provided, single submitter. Criteria: Invitae Variant Classification Sherloc (09022015). Collection method: clinical testing. Allele origin: germline.
Comment: For these reasons, this variant has been classified as Pathogenic. This variant disrupts a region of the SCO2 protein in which other variant(s) (p.Gly193Ser) have been determined to be pathogenic (PMID: 19353847, 29193756, 32600061). This suggests that this is a clinically significant region of the protein, and that variants that disrupt it are likely to be disease-causing. This variant has not been reported in the literature in individuals affected with SCO2-related conditions. This variant is not present in population databases (gnomAD no frequency). This sequence change creates a premature translational stop signal (p.Glu45Lysfs*42) in the SCO2 gene. While this is not anticipated to result in nonsense mediated decay, it is expected to disrupt the last 222 amino acid(s) of the SCO2 protein.

Literature cited by the submitters: PubMed 19353847; PubMed 29193756; PubMed 32600061.